The following is an entry in ClinVar:

NM_031885.5(BBS2):c.973del (p.Arg325fs)

Gene: BBS2 (Bardet-Biedl syndrome 2; minus strand). Cytogenetic location: 16q13.
Variant type: Deletion.
Coding change: c.973del on transcript NM_031885.5 (MANE Select); coding-DNA position 973, one base deleted (A; older notation c.973delA).
Protein change: p.Arg325fs; shifts the reading frame from arginine 325.
Molecular consequence: frameshift variant. On other transcripts: non-coding transcript variant (5).
Genome position (GRCh38, 1-based): chr16:56,502,424, T deleted on the plus strand (A on the coding strand, the reverse complement: BBS2 is on the minus strand). VCF-style (leftmost placement, unchanged base first): chr16-56502423-CT-C. GRCh37 (hg19) VCF-style: chr16-56536335-CT-C.
Other names: c.973del, p.Arg325fs (NM_001377456.1); short protein forms R325fs.
Identifiers: ClinVar variation 2773075 (VCV002773075.3), dbSNP rs2543712872, ClinGen allele CA2697555843.

ClinVar aggregate classification (germline): Pathogenic (1 of 4 stars; one submission).

Conditions:
Bardet-Biedl syndrome (BBS). Identifiers: Orphanet 110, MedGen C0752166, MONDO:0015229.

Submission:

Labcorp Genetics (formerly Invitae), Labcorp
Classification: Pathogenic for Bardet-Biedl syndrome. Last evaluated: 2023-10-31. Review status: criteria provided, single submitter. Criteria: Invitae Variant Classification Sherloc (09022015). Collection method: clinical testing. Allele origin: germline.
Comment: This sequence change creates a premature translational stop signal (p.Arg325Glyfs*13) in the BBS2 gene. It is expected to result in an absent or disrupted protein product. Loss-of-function variants in BBS2 are known to be pathogenic (PMID: 11285252, 20177705, 24608809, 26518167). This variant is not present in population databases (gnomAD no frequency). This variant has not been reported in the literature in individuals affected with BBS2-related conditions. For these reasons, this variant has been classified as Pathogenic.

Literature cited by the submitters: PubMed 11285252; PubMed 20177705; PubMed 24608809; PubMed 26518167.